The following is an entry in ClinVar:

NM_001034853.2(RPGR):c.2733_2819dup (p.Glu942_Asp943insGluGluGluGlyGluGlyLysGlyGluGluGluGlyGluGluGlyGluGlyGluGlyGluGluGluGluGlyGluGlyGluGlyGlu)

Gene: RPGR (retinitis pigmentosa GTPase regulator; minus strand). Cytogenetic location: Xp11.4.
Variant type: Duplication.
Coding change: c.2733_2819dup on transcript NM_001034853.2 (MANE Select); coding-DNA positions 2733 to 2819, 87 bases duplicated.
Protein change: p.Glu942_Asp943insGluGluGluGlyGluGlyLysGlyGluGluGluGlyGluGluGlyGluGlyGluGlyGluGluGluGluGlyGluGlyGluGlyGlu.
Molecular consequence: inframe insertion. On other transcripts: intron variant (8).
Genome position (GRCh38, 1-based): chrX:38,286,180-38,286,266, 87 bases duplicated. GRCh37 (hg19): chrX:38,145,450-38,145,536.
Other names: c.1569+4693_1569+4779dup (NM_001367249.1, NM_001367250.1); c.1902+828_1902+914dup (NM_001367245.1); c.1386+4693_1386+4779dup (NM_001367251.1); c.1719+828_1719+914dup (NM_001367246.1); c.1572+4693_1572+4779dup (NM_001367247.1); c.1905+828_1905+914dup (NM_000328.3); c.1602+4693_1602+4779dup (NM_001367248.1).
Identifiers: ClinVar variation 2129476 (VCV002129476.4), dbSNP rs2519786584, ClinGen allele CA2580100852.

ClinVar aggregate classification (germline): Uncertain significance (1 of 4 stars; one submission).

Conditions:
Primary ciliary dyskinesia. Also called: Ciliary dyskinesia. Identifiers: Orphanet 244, MedGen C0008780, MONDO:0016575, HP:0012265.

Submission:

Labcorp Genetics (formerly Invitae), Labcorp
Classification: Uncertain significance for Primary ciliary dyskinesia. Last evaluated: 2022-04-22. Review status: criteria provided, single submitter. Criteria: Invitae Variant Classification Sherloc (09022015). Collection method: clinical testing. Allele origin: germline.
Comment: In summary, the available evidence is currently insufficient to determine the role of this variant in disease. Therefore, it has been classified as a Variant of Uncertain Significance. Experimental studies and prediction algorithms are not available or were not evaluated, and the functional significance of this variant is currently unknown. This variant has not been reported in the literature in individuals affected with RPGR (ORF15)-related conditions. The frequency data for this variant in the population databases is considered unreliable, as metrics indicate insufficient coverage at this position in the gnomAD database. This variant, c.2733_2819dup, results in the insertion of 29 amino acid(s) of the RPGR (ORF15) protein (p.Glu914_Glu942dup), but otherwise preserves the integrity of the reading frame.